The following is an entry in ClinVar:

ClinVar aggregate classification (germline): Likely pathogenic. Review status: criteria provided, multiple submitters, no conflicts (2 of 4 stars). 3 submissions from 3 submitters: Likely pathogenic (3). Last evaluated 2025-04-04.

Conditions:
Pituitary hormone deficiency, combined, 2. Also called: PITUITARY DWARFISM III; ATELIOTIC DWARFISM WITH HYPOGONADISM; HANHART DWARFISM; PROP1-Related Combined Pituitary Hormone Deficiency. Identifiers: MedGen C0878683, MONDO:0009878, OMIM 262600.

Submissions (3):

Natera, Inc.
Classification: Likely pathogenic for Combined pituitary hormone deficiency type 2. Last evaluated: 2025-04-04. Review status: criteria provided, single submitter. Criteria: Natera Variant Classification Schema (03/2026). Collection method: clinical testing. Allele origin: germline.
Comment: The c.629del variant in PROP1 is a frameshift variant predicted to elongate the protein beyond the termination codon. This variant may result in a truncated or dysfunctional protein product. This variant is rare in the general population with a frequency below the threshold expected for the associated phenotype(s). This variant has been observed in one or more individuals affected with the associated recessive disease, as either homozygous or compound heterozygous with a second variant (PMID: 16735499). Given the available evidence, this variant is classified as Likely Pathogenic.

Labcorp Genetics (formerly Invitae), Labcorp
Classification: Likely pathogenic. Last evaluated: 2023-07-16. Review status: criteria provided, single submitter. Criteria: Invitae Variant Classification Sherloc (09022015). Collection method: clinical testing. Allele origin: germline.
Comment: In summary, the currently available evidence indicates that the variant is pathogenic, but additional data are needed to prove that conclusively. Therefore, this variant has been classified as Likely Pathogenic. Experimental studies have shown that this frameshift affects PROP1 function (PMID: 16735499). Algorithms developed to predict the effect of variants on protein structure and function are not available or were not evaluated for this variant. ClinVar contains an entry for this variant (Variation ID: 1523184). This frameshift has been observed in individual(s) with combined pituitary hormone deficiency (PMID: 16735499). In at least one individual the data is consistent with being in trans (on the opposite chromosome) from a pathogenic variant. The frequency data for this variant in the population databases is considered unreliable, as metrics indicate poor data quality at this position in the gnomAD database. This sequence change results in a frameshift in the PROP1 gene (p.Pro210Hisfs*26). While this is not anticipated to result in nonsense mediated decay, it is expected to disrupt the last 17 amino acid(s) of the PROP1 protein and extend the protein by 8 additional amino acid residues.

Baylor Genetics
Classification: Likely pathogenic for Pituitary hormone deficiency, combined, 2. Last evaluated: 2023-06-11. Review status: criteria provided, single submitter. Criteria: ACMG Guidelines, 2015. Collection method: clinical testing. Allele origin: unknown.

Literature cited by the submitters: PubMed 16735499 (cited by Natera, Inc. and Labcorp Genetics (formerly Invitae), Labcorp).

NM_006261.5(PROP1):c.629del (p.Pro210fs)

Gene: PROP1 (PROP paired-like homeobox 1; minus strand). Cytogenetic location: 5q35.3.
Variant type: Deletion.
Coding change: c.629del on transcript NM_006261.5 (MANE Select); coding-DNA position 629, one base deleted (C; older notation c.629delC).
Protein change: p.Pro210fs; shifts the reading frame from proline 210.
Molecular consequence: frameshift variant.
Genome position (GRCh38, 1-based): chr5:177,992,761, G deleted on the plus strand (C on the coding strand, the reverse complement: PROP1 is on the minus strand); the first of 6 consecutive G bases (chr5:177,992,761-177,992,766); deleting any one gives the same sequence. VCF-style (leftmost placement, unchanged base first): chr5-177992760-TG-T. GRCh37 (hg19) VCF-style: chr5-177419761-TG-T.
Other names: c.629del (NM_006261.4); short protein forms P210fs.
Identifiers: ClinVar variation 1523184 (VCV001523184.9), dbSNP rs761018422, ClinGen allele CA3587486.